The following is an entry in ClinVar:

NM_001128840.3(CACNA1D):c.3262C>T (p.Leu1088Phe)

Gene: CACNA1D (calcium voltage-gated channel subunit alpha1 D; plus strand). Cytogenetic location: 3p21.1.
Variant type: single nucleotide variant.
Coding change: c.3262C>T on transcript NM_001128840.3 (MANE Select); coding-DNA position 3262, C replaced by T.
Protein change: p.Leu1088Phe; replaces leucine 1088 with phenylalanine.
Molecular consequence: missense variant.
Genome position (GRCh38, 1-based): chr3:53,747,396, C>T. VCF-style: chr3-53747396-C-T. GRCh37 (hg19) VCF-style: chr3-53781423-C-T.
Other names: c.3322C>T, p.Leu1108Phe (NM_000720.4); c.3262C>T, p.Leu1088Phe (NM_001128839.3); short protein forms L1088F, L1108F.
Identifiers: ClinVar variation 1806584 (VCV001806584.1), dbSNP rs1410108580, ClinGen allele CA353247700.

ClinVar aggregate classification (germline): Uncertain significance (1 of 4 stars; one submission).

Submission:

GeneDx
Classification: Uncertain significance. Last evaluated: 2022-06-24. Review status: criteria provided, single submitter. Criteria: GeneDx Variant Classification Process June 2021. Collection method: clinical testing. Allele origin: germline. Affected: yes.
Comment: Not observed at significant frequency in large population cohorts (gnomAD); In silico analysis supports that this missense variant has a deleterious effect on protein structure/function; Has not been previously published as pathogenic or benign to our knowledge